The following is an entry in ClinVar:

NM_015599.3(PGM3):c.1366-9T>C

Genes: DOP1A (DOP1 leucine zipper like protein A; plus strand), PGM3 (phosphoglucomutase 3; minus strand). Cytogenetic location: 6q14.1.
Variant type: single nucleotide variant.
Coding change: c.1366-9T>C on transcript NM_015599.3 (MANE Select); 9 bases into the intron before coding-DNA position 1366, T replaced by C.
Molecular consequence: intron variant. On other transcripts: non-coding transcript variant (1).
Genome position (GRCh38, 1-based): chr6:83,170,487, A>G on the plus strand (T>C on the coding strand, the complement: PGM3 is on the minus strand). VCF-style: chr6-83170487-A-G. GRCh37 (hg19) VCF-style: chr6-83880206-A-G.
Other names: c.1450-9T>C (NM_001199917.2, NM_001367287.1); c.1123-9T>C (NM_001199918.2); c.1243-9T>C (NM_001367286.1); c.1366-9T>C (NM_001199919.2).
Identifiers: ClinVar variation 2443206 (VCV002443206.2), dbSNP rs1247430616, ClinGen allele CA828849905.

ClinVar aggregate classification (germline): Uncertain significance (0 of 4 stars; one submission).

Allele frequency attached by ClinVar (database versions not stated): TOPMed 0.00002.

Submission:

Genetic Services Laboratory, University of Chicago
Classification: Uncertain significance. Last evaluated: 2022-06-29. Review status: no assertion criteria provided. Collection method: clinical testing. Allele origin: germline. Affected: no.
Comment: DNA sequence analysis of the PGM3 gene demonstrated a sequence change in intron 12, c.1450-9T>C. This change does not appear to have been previously described in individuals with PGM3-related disorders and has also not been described in population databases such as ExAC and gnomAD (dbSNP rs1247430616). In-silico splice prediction programs provide inconclusive results for this sequence change. It is possible that this sequence change represents a benign sequence change in the PGM3 gene that has not been identified to date. The functional significance of this sequence change is not known at present and its contribution to this individual's disease phenotype cannot definitively be determined.